The following is an entry in ClinVar:

ClinVar aggregate classification (germline): Uncertain significance (1 of 4 stars; one submission).

Conditions:
Infantile cerebellar-retinal degeneration (ICRD). Identifiers: Orphanet 313850, MedGen C3281192, MONDO:0013802, OMIM 614559.

Submission:

Victorian Clinical Genetics Services, Murdoch Childrens Research Institute
Classification: Uncertain significance for Infantile cerebellar-retinal degeneration. Last evaluated: 2022-03-31. Review status: criteria provided, single submitter. Criteria: ACMG Guidelines, 2015. Collection method: clinical testing. Allele origin: germline. Inheritance: Autosomal recessive inheritance.
Comment: Based on the classification scheme VCGS_Germline_v1.3.4, this variant is classified as VUS-3B. Following criteria are met: 0102 - Loss of function is a known mechanism of disease in this gene and is associated with infantile cerebellar-retinal degeneration (MIM#614559). (I) 0106 - This gene is associated with autosomal recessive disease. (I) 0200 - Variant is predicted to result in a missense amino acid change from glutamine to arginine. (I) 0251 - This variant is heterozygous. (I) 0301 - Variant is absent from gnomAD (both v2 and v3). (SP) 0502 - Missense variant with conflicting in silico predictions and very high conservation. (I) 0600 - Variant is located in the annotated aconitase domain (DECIHPHER). (I) 0705 - No comparable missense variants have previous evidence for pathogenicity. (I) 0807 - This variant has no previous evidence of pathogenicity. (I) 0905 - No published segregation evidence has been identified for this variant. (I) 1007 - No published functional evidence has been identified for this variant. (I) 1208 - Inheritance information for this variant is not currently available in this individual. (I) Legend: (SP) - Supporting pathogenic, (I) - Information, (SB) - Supporting benign

NM_001098.3(ACO2):c.296A>G (p.Gln99Arg)

Gene: ACO2 (aconitase 2; plus strand). Cytogenetic location: 22q13.2.
Variant type: single nucleotide variant.
Coding change: c.296A>G on transcript NM_001098.3 (MANE Select); coding-DNA position 296, A replaced by G.
Protein change: p.Gln99Arg; replaces glutamine 99 with arginine.
Molecular consequence: missense variant.
Genome position (GRCh38, 1-based): chr22:41,507,913, A>G. VCF-style: chr22-41507913-A-G. GRCh37 (hg19) VCF-style: chr22-41903917-A-G.
Other names: short protein forms Q99R.
Identifiers: ClinVar variation 1805443 (VCV001805443.1), dbSNP rs2518216809, ClinGen allele CA411713467.